The following is an entry in ClinVar:

ClinVar aggregate classification (germline): Uncertain significance (1 of 4 stars; one submission).

Conditions:
Myasthenic syndrome, congenital, 22 (CMS22). Also called: PREPL DEFICIENCY. Identifiers: MedGen C4479088, MONDO:0044299, OMIM 616224.

Submission:

Labcorp Genetics (formerly Invitae), Labcorp
Classification: Uncertain significance for Myasthenic syndrome, congenital, 22. Last evaluated: 2021-03-25. Review status: criteria provided, single submitter. Criteria: Invitae Variant Classification Sherloc (09022015). Collection method: clinical testing. Allele origin: germline.
Comment: In summary, the available evidence is currently insufficient to determine the role of this variant in disease. Therefore, it has been classified as a Variant of Uncertain Significance. Algorithms developed to predict the effect of missense changes on protein structure and function (SIFT, PolyPhen-2, Align-GVGD) all suggest that this variant is likely to be disruptive, but these predictions have not been confirmed by published functional studies and their clinical significance is uncertain. This variant has not been reported in the literature in individuals with PREPL-related conditions. This variant is not present in population databases (ExAC no frequency). This sequence change replaces glycine with serine at codon 546 of the PREPL protein (p.Gly546Ser). The glycine residue is highly conserved and there is a small physicochemical difference between glycine and serine.

NM_001171613.2(PREPL):c.1369G>A (p.Gly457Ser)

Gene: PREPL (prolyl endopeptidase like; minus strand). Cytogenetic location: 2p21.
Variant type: single nucleotide variant.
Coding change: c.1369G>A on transcript NM_001171613.2 (MANE Select); coding-DNA position 1369, G replaced by A.
Protein change: p.Gly457Ser; replaces glycine 457 with serine.
Molecular consequence: missense variant.
Genome position (GRCh38, 1-based): chr2:44,326,822, C>T on the plus strand (G>A on the coding strand, the complement: PREPL is on the minus strand). VCF-style: chr2-44326822-C-T. GRCh37 (hg19) VCF-style: chr2-44553961-C-T.
Other names: c.1450G>A, p.Gly484Ser (NM_001042385.2); c.1438G>A, p.Gly480Ser (NM_001042386.2); c.1636G>A, p.Gly546Ser (NM_001171603.1, NM_001171606.2, NM_001374275.1 and 2 more transcripts); c.1369G>A, p.Gly457Ser (NM_001171617.1, NM_001374277.1); short protein forms G484S, G546S, G480S, G457S.
Identifiers: ClinVar variation 1519721 (VCV001519721.8), dbSNP rs2103751191, ClinGen allele CA346689592.
Genomic context (GRCh38, chr2:44,326,822, plus strand): 5'-CTGCAAGCACCCCTCCAGCACTGAAAGCAGTCAGGGTTGTTAGACTTGGCTGAGAAAAGC[C>T]TTGGCCATGAAGCGTCTTAATGCAAGCCTCTAAATCAGCAAGGCCATTGAGTTTTTTAGT-3'
Protein context (NP_001165084.1, residues 447-467): EACIKTLHGQ[Gly457Ser]FSQPSLTTLT